The following is an entry in ClinVar:

NM_001270508.2(TNFAIP3):c.740C>T (p.Pro247Leu)

Genes: TNFAIP3 (TNF alpha induced protein 3; plus strand), LOC126859807 (MED14-independent group 3 enhancer GRCh37_chr6:138196296-138197495; plus strand). Cytogenetic location: 6q23.3.
Variant type: single nucleotide variant.
Coding change: c.740C>T on transcript NM_001270508.2 (MANE Select); coding-DNA position 740, C replaced by T.
Protein change: p.Pro247Leu; replaces proline 247 with leucine.
Molecular consequence: missense variant.
Genome position (GRCh38, 1-based): chr6:137,876,101, C>T. VCF-style: chr6-137876101-C-T. GRCh37 (hg19) VCF-style: chr6-138197238-C-T.
Other names: c.740C>T, p.Pro247Leu (NM_001270507.2, NM_006290.4); short protein forms P247L.
Identifiers: ClinVar variation 1994622 (VCV001994622.4), dbSNP rs2114485367, ClinGen allele CA365784374.

ClinVar aggregate classification (germline): Uncertain significance (1 of 4 stars; one submission).

Submission:

Labcorp Genetics (formerly Invitae), Labcorp
Classification: Uncertain significance. Last evaluated: 2022-05-15. Review status: criteria provided, single submitter. Criteria: Invitae Variant Classification Sherloc (09022015). Collection method: clinical testing. Allele origin: germline.
Comment: In summary, the available evidence is currently insufficient to determine the role of this variant in disease. Therefore, it has been classified as a Variant of Uncertain Significance. Algorithms developed to predict the effect of missense changes on protein structure and function are either unavailable or do not agree on the potential impact of this missense change (SIFT: "Tolerated"; PolyPhen-2: "Probably Damaging"; Align-GVGD: "Class C0"). This variant has not been reported in the literature in individuals affected with TNFAIP3-related conditions. This variant is not present in population databases (gnomAD no frequency). This sequence change replaces proline, which is neutral and non-polar, with leucine, which is neutral and non-polar, at codon 247 of the TNFAIP3 protein (p.Pro247Leu).